The following is an entry in ClinVar:

NM_001159699.2(FHL1):c.802T>C (p.Cys268Arg)

Gene: FHL1 (four and a half LIM domains 1; plus strand). Cytogenetic location: Xq26.3.
Variant type: single nucleotide variant.
Coding change: c.802T>C on transcript NM_001159699.2 (MANE Select); coding-DNA position 802, T replaced by C.
Protein change: p.Cys268Arg; replaces cysteine 268 with arginine.
Molecular consequence: missense variant. On other transcripts: synonymous variant (6), non-coding transcript variant (1).
Genome position (GRCh38, 1-based): chrX:136,209,936, T>C. VCF-style: chrX-136209936-T-C. GRCh37 (hg19) VCF-style: chrX-135292095-T-C.
Other names: c.754T>C, p.Cys252Arg (NM_001159700.2, NM_001159704.1, NM_001167819.1 and 4 more transcripts); c.841T>C, p.Cys281Arg (NM_001159701.2); c.954T>C, p.Thr318= (NM_001159702.3, NM_001369326.1, NM_001369327.2 and 1 more transcripts); c.567T>C, p.Thr189= (NM_001159703.2); c.615T>C, p.Thr205= (NM_001330659.2); short protein forms C252R, C268R, C281R.
Identifiers: ClinVar variation 1999723 (VCV001999723.4), dbSNP rs2521335692, ClinGen allele CA414609760.

ClinVar aggregate classification (germline): Uncertain significance (1 of 4 stars; one submission).

Conditions:
X-linked myopathy with postural muscle atrophy. Also called: FHL1-Related Emery-Dreifuss Muscular Dystrophy, X-Linked. Identifiers: Orphanet 178461, MedGen C2678055, MONDO:0010401, OMIM 300696.

Submission:

Labcorp Genetics (formerly Invitae), Labcorp
Classification: Uncertain significance for X-linked myopathy with postural muscle atrophy. Last evaluated: 2024-05-05. Review status: criteria provided, single submitter. Criteria: Invitae Variant Classification Sherloc (09022015). Collection method: clinical testing. Allele origin: germline.
Comment: This sequence change replaces cysteine, which is neutral and slightly polar, with arginine, which is basic and polar, at codon 252 of the FHL1 protein (p.Cys252Arg). This variant is not present in population databases (gnomAD no frequency). This variant has not been reported in the literature in individuals affected with FHL1-related conditions. ClinVar contains an entry for this variant (Variation ID: 1999723). An algorithm developed to predict the effect of missense changes on protein structure and function (PolyPhen-2) suggests that this variant is likely to be disruptive. In summary, the available evidence is currently insufficient to determine the role of this variant in disease. Therefore, it has been classified as a Variant of Uncertain Significance.